The following is an entry in ClinVar:

NM_017864.4(INTS8):c.2694C>T (p.Ala898=)

Gene: INTS8 (integrator complex subunit 8; plus strand). Cytogenetic location: 8q22.1.
Variant type: single nucleotide variant.
Coding change: c.2694C>T on transcript NM_017864.4 (MANE Select); coding-DNA position 2694, C replaced by T.
Protein change: p.Ala898=; no amino-acid change (alanine 898 retained).
Molecular consequence: synonymous variant. On other transcripts: non-coding transcript variant (2).
Genome position (GRCh38, 1-based): chr8:94,876,079, C>T. VCF-style: chr8-94876079-C-T. GRCh37 (hg19) VCF-style: chr8-95888307-C-T.
Identifiers: ClinVar variation 1300114 (VCV001300114.5), dbSNP rs1129152, ClinGen allele CA4813969.

ClinVar aggregate classification (germline): Benign. Review status: criteria provided, multiple submitters, no conflicts (2 of 4 stars). 3 submissions from 3 submitters: Benign (2). 1 of the submissions does not count toward it. Last evaluated 2021-08-19.

Conditions:
Neurodevelopmental disorder with cerebellar hypoplasia and spasticity. Identifiers: MedGen C5231415, MONDO:0032818, OMIM 618572.
INTS8-related disorder. Also called: INTS8-related condition.

Allele frequency attached by ClinVar (database versions not stated): ESP Exome Variant Server 0.36567; gnomAD 0.38558 and 0.39473; TOPMed 0.39849; gnomAD exomes 0.43167 and 0.46233; ExAC 0.45441; 1000 Genomes Project 30x 0.46346; 1000 Genomes Project 0.47005.
gnomAD v4.1: 681,715 of 1,590,646 alleles (43%); highest among the groups gnomAD compares: East Asian, 65%; 151,002 homozygotes.

Submissions (3):

Genome-Nilou Lab
Classification: Benign for Neurodevelopmental disorder with cerebellar hypoplasia and spasticity. Last evaluated: 2021-08-19. Review status: criteria provided, single submitter. Criteria: ACMG Guidelines, 2015. Collection method: clinical testing. Allele origin: germline. Affected: no.

Breakthrough Genomics
Classification: Benign. Review status: criteria provided, single submitter. Criteria: ACMG Guidelines, 2015. Collection method: not provided. Allele origin: germline. Inheritance: Autosomal recessive inheritance. Affected: yes.

PreventionGenetics, part of Exact Sciences
Classification: Benign for INTS8-related condition. Last evaluated: 2019-10-30. Review status: no assertion criteria provided. Collection method: clinical testing. Allele origin: germline. Not counted in ClinVar's aggregate classification.
Comment: This variant is classified as benign based on ACMG/AMP sequence variant interpretation guidelines (Richards et al. 2015 PMID: 25741868, with internal and published modifications).